The following is an entry in ClinVar:

ClinVar aggregate classification (germline): Likely pathogenic (1 of 4 stars; one submission).

Conditions:
KIF1A-related disorder. Also called: KIF1A-related disorders; KIF1A-related condition.

Submission:

3billion
Classification: Likely pathogenic for KIF1A-related disorder. Last evaluated: 2025-07-08. Review status: criteria provided, single submitter. Criteria: ACMG Guidelines, 2015. Collection method: clinical testing. Allele origin: germline. Affected: yes.
Comment: The variant is not observed in the gnomAD v4.1.0 dataset. Predicted Consequence/Location: The variant is located in a mutational hot spot and/or well-established functional domain in which established pathogenic variants have been reported (PMID: 31488895). In silico tool predictions suggest damaging effect of the variant on gene or gene product [REVEL: 0.89 (>=0.6, sensitivity 0.68 and specificity 0.92); 3Cnet: 1.00 (> 0.75, sensitivity 0.96 and precision 0.92)]. Different missense changes at the same codon (p.Ser323Pro) has been reported to be associated with KIF1A-related disorder (ClinVar ID: VCV000974922 /PMID: 32096284). Therefore, this variant is classified as Likely pathogenic according to the recommendation of ACMG/AMP guideline.

Literature cited by the submitters: PubMed 32096284.

NM_001244008.2(KIF1A):c.968C>T (p.Ser323Leu)

Gene: KIF1A (kinesin family member 1A; minus strand). Cytogenetic location: 2q37.3.
Variant type: single nucleotide variant.
Coding change: c.968C>T on transcript NM_001244008.2 (MANE Select); coding-DNA position 968, C replaced by T.
Protein change: p.Ser323Leu; replaces serine 323 with leucine.
Molecular consequence: missense variant.
Genome position (GRCh38, 1-based): chr2:240,774,252, G>A on the plus strand (C>T on the coding strand, the complement: KIF1A is on the minus strand). VCF-style: chr2-240774252-G-A. GRCh37 (hg19) VCF-style: chr2-241713669-G-A.
Other names: c.968C>T, p.Ser323Leu (NM_001320705.2, NM_001330289.2, NM_001330290.2 and 20 more transcripts); short protein forms S323L.
Identifiers: ClinVar variation 4856199 (VCV004856199.1).